The following is an entry in ClinVar:

NM_003628.6(PKP4):c.2269G>T (p.Val757Leu)

Genes: PKP4 (plakophilin 4; plus strand), PKP4-AS1 (PKP4 antisense RNA 1; minus strand). Cytogenetic location: 2q24.1.
Variant type: single nucleotide variant.
Coding change: c.2269G>T on transcript NM_003628.6 (MANE Select); coding-DNA position 2269, G replaced by T.
Protein change: p.Val757Leu; replaces valine 757 with leucine.
Molecular consequence: missense variant.
Genome position (GRCh38, 1-based): chr2:158,662,954, G>T. VCF-style: chr2-158662954-G-T. GRCh37 (hg19) VCF-style: chr2-159519466-G-T.
Other names: c.2269G>T, p.Val757Leu (NM_001005476.4, NM_001304971.2, NM_001377218.1 and 1 more transcripts); c.2266G>T, p.Val756Leu (NM_001304969.3, NM_001377219.1, NM_001377220.1 and 2 more transcripts); c.1240G>T, p.Val414Leu (NM_001304970.3); c.2263G>T, p.Val755Leu (NM_001377222.1, NM_001377223.1); c.2260G>T, p.Val754Leu (NM_001377224.1); short protein forms V756L, V414L, V755L, V757L, V754L.
Identifiers: ClinVar variation 1788739 (VCV001788739.2), dbSNP rs2056744864, ClinGen allele CA348902691.

ClinVar aggregate classification (germline): Uncertain significance (1 of 4 stars; one submission).

Submission:

Ambry Genetics
Classification: Uncertain significance. Last evaluated: 2022-10-27. Review status: criteria provided, single submitter. Criteria: Ambry Variant Classification Scheme 2023. Collection method: clinical testing. Allele origin: germline.
Comment: The p.V757L variant (also known as c.2269G>T), located in coding exon 13 of the PKP4 gene, results from a G to T substitution at nucleotide position 2269. The valine at codon 757 is replaced by leucine, an amino acid with highly similar properties. This amino acid position is conserved. In addition, the in silico prediction for this alteration is inconclusive. Since supporting evidence is limited at this time, the clinical significance of this alteration remains unclear.